The following is an entry in ClinVar:

NM_000368.5(TSC1):c.2114A>T (p.Glu705Val)

Gene: TSC1 (TSC complex subunit 1; minus strand). Cytogenetic location: 9q34.13.
Variant type: single nucleotide variant.
Coding change: c.2114A>T on transcript NM_000368.5 (MANE Select); coding-DNA position 2114, A replaced by T.
Protein change: p.Glu705Val; replaces glutamic acid 705 with valine.
Molecular consequence: missense variant. On other transcripts: non-coding transcript variant (4).
Genome position (GRCh38, 1-based): chr9:132,903,745, T>A on the plus strand (A>T on the coding strand, the complement: TSC1 is on the minus strand). VCF-style: chr9-132903745-T-A. GRCh37 (hg19) VCF-style: chr9-135779132-T-A.
Other names: c.2111A>T, p.Glu704Val (NM_001406598.1, NM_001406599.1, NM_001406600.1 and 4 more transcripts); c.2099A>T, p.Glu700Val (NM_001406601.1, NM_001406602.1); c.2096A>T, p.Glu699Val (NM_001406603.1, NM_001406604.1); c.2114A>T, p.Glu705Val (NM_001406605.1, NM_001406606.1, NM_001406607.1 and 5 more transcripts); c.1751A>T, p.Glu584Val (NM_001406617.1, NM_001406618.1, NM_001406619.1 and 5 more transcripts); c.1748A>T, p.Glu583Val (NM_001406620.1, NM_001406621.1, NM_001406622.1 and 2 more transcripts); c.1163A>T, p.Glu388Val (NM_001406626.1); c.1961A>T, p.Glu654Val (NM_001406610.1, NM_001162427.2); and 3 more; short protein forms E354V, E583V, E700V, E584V, E654V, E699V, E653V, E387V.
Identifiers: ClinVar variation 5031214 (VCV005031214.1).

ClinVar aggregate classification (germline): Uncertain significance (1 of 4 stars; one submission).

Conditions:
Hereditary cancer-predisposing syndrome. Also called: Neoplastic Syndromes, Hereditary; Tumor predisposition; Hereditary neoplastic syndrome; Hereditary Cancer Syndrome. Identifiers: Orphanet 140162, MedGen C0027672, MeSH D009386, MONDO:0015356.

Submission:

Ambry Genetics
Classification: Uncertain significance for Hereditary cancer-predisposing syndrome. Last evaluated: 2026-07-06. Review status: criteria provided, single submitter. Criteria: Ambry Variant Classification Scheme 2023. Collection method: clinical testing. Allele origin: germline.
Comment: The p.E705V variant (also known as c.2114A>T), located in coding exon 15 of the TSC1 gene, results from an A to T substitution at nucleotide position 2114. The glutamic acid at codon 705 is replaced by valine, an amino acid with dissimilar properties. This amino acid position is conserved. In addition, this alteration is predicted to be deleterious by in silico analysis. Based on the available evidence, the clinical significance of this variant remains unclear.